The following is an entry in ClinVar:

ClinVar aggregate classification (germline): Uncertain significance. Review status: criteria provided, multiple submitters, no conflicts (2 of 4 stars). 2 submissions from 2 submitters: Uncertain significance (2). Last evaluated 2026-08-27.

Conditions:
Hereditary cancer-predisposing syndrome. Also called: Tumor predisposition; Hereditary neoplastic syndrome; Hereditary Cancer Syndrome; Neoplastic Syndromes, Hereditary. Identifiers: Orphanet 140162, MedGen C0027672, MeSH D009386, MONDO:0015356.

Submissions (2):

Ambry Genetics
Classification: Uncertain significance for Hereditary cancer-predisposing syndrome. Last evaluated: 2026-08-27. Review status: criteria provided, single submitter. Criteria: Ambry Variant Classification Scheme 2023. Collection method: clinical testing. Allele origin: germline.
Comment: The p.I1890L variant (also known as c.5668A>C), located in coding exon 41 of the POLE gene, results from an A to C substitution at nucleotide position 5668. The isoleucine at codon 1890 is replaced by leucine, an amino acid with highly similar properties. This amino acid position is conserved. In addition, this alteration is predicted to be tolerated by in silico analysis. Based on the available evidence, the clinical significance of this variant remains unclear.

Labcorp Genetics (formerly Invitae), Labcorp
Classification: Uncertain significance. Last evaluated: 2025-12-19. Review status: criteria provided, single submitter. Criteria: Invitae Variant Classification Sherloc (09022015). Collection method: clinical testing. Allele origin: germline.
Comment: This sequence change replaces isoleucine, which is neutral and non-polar, with leucine, which is neutral and non-polar, at codon 1890 of the POLE protein (p.Ile1890Leu). This variant is not present in population databases (gnomAD no frequency). This variant has not been reported in the literature in individuals affected with POLE-related conditions. ClinVar contains an entry for this variant (Variation ID: 3708395). Invitae Evidence Modeling of protein sequence and biophysical properties (such as structural, functional, and spatial information, amino acid conservation, physicochemical variation, residue mobility, and thermodynamic stability) indicates that this missense variant is not expected to disrupt POLE protein function with a negative predictive value of 80%. In summary, the available evidence is currently insufficient to determine the role of this variant in disease. Therefore, it has been classified as a Variant of Uncertain Significance.

NM_006231.4(POLE):c.5668A>C (p.Ile1890Leu)

Gene: POLE (DNA polymerase epsilon, catalytic subunit; minus strand). Cytogenetic location: 12q24.33.
Variant type: single nucleotide variant.
Coding change: c.5668A>C on transcript NM_006231.4 (MANE Select); coding-DNA position 5668, A replaced by C.
Protein change: p.Ile1890Leu; replaces isoleucine 1890 with leucine.
Molecular consequence: missense variant.
Genome position (GRCh38, 1-based): chr12:132,638,024, T>G on the plus strand (A>C on the coding strand, the complement: POLE is on the minus strand). VCF-style: chr12-132638024-T-G. GRCh37 (hg19) VCF-style: chr12-133214610-T-G.
Other names: c.5668A>C (NM_006231.2); short protein forms I1890L.
Identifiers: ClinVar variation 3708395 (VCV003708395.3).
Genomic context (GRCh38, chr12:132,638,024, plus strand): 5'-CATCCCTCTCAAAGCCACAGTGCTGCGTCACCAGGACCAGCCAGCCGCACCTGCTGGTGA[T>G]GTACTCCACGTAAGCGATGGCATCTTCCACACGGCGCTTCTTTGTACAGAGGATGATGCG-3'
Protein context (NP_006222.2, residues 1880-1900): VEDAIAYVEY[Ile1890Leu]TSSIHSKETF